The following is an entry in ClinVar:

NM_000535.7(PMS2):c.2181G>C (p.Gln727His)

Gene: PMS2 (PMS1 homolog 2, mismatch repair system component; minus strand). Cytogenetic location: 7p22.1.
Variant type: single nucleotide variant.
Coding change: c.2181G>C on transcript NM_000535.7 (MANE Select); coding-DNA position 2181, G replaced by C.
Protein change: p.Gln727His; replaces glutamine 727 with histidine.
Molecular consequence: missense variant. On other transcripts: non-coding transcript variant (1).
Genome position (GRCh38, 1-based): chr7:5,978,690, C>G on the plus strand (G>C on the coding strand, the complement: PMS2 is on the minus strand). VCF-style: chr7-5978690-C-G. GRCh37 (hg19) VCF-style: chr7-6018321-C-G.
Other names: c.1776G>C, p.Gln592His (NM_001018040.1, NM_001322003.2, NM_001322004.2 and 15 more transcripts); c.2025G>C, p.Gln675His (NM_001322006.2, NM_001406870.1); c.1863G>C, p.Gln621His (NM_001322007.2, NM_001322008.2, NM_001406876.1 and 1 more transcripts); c.1620G>C, p.Gln540His (NM_001322010.2, NM_001406906.1, NM_001406907.1); c.1248G>C, p.Gln416His (NM_001322011.2, NM_001322012.2); c.1608G>C, p.Gln536His (NM_001322013.2, NM_001406908.1, NM_001406909.1); c.2181G>C, p.Gln727His (NM_001322014.2); c.1872G>C, p.Gln624His (NM_001322015.2, NM_001406875.1, NM_001406877.1 and 5 more transcripts); and 14 more; short protein forms Q540H, Q572H, Q605H, Q675H, Q727H, Q470H, Q569H, Q619H.
Identifiers: ClinVar variation 2151712 (VCV002151712.4), dbSNP rs1583286283, ClinGen allele CA366736972.
Genomic context (GRCh38, chr7:5,978,690, plus strand): 5'-TCTAAATATTTCCAGATTTTCTATCAGAACAGCTTCATTAACAGCAGTTAAGTTGAGAGT[C>G]TGAGGTCTGAAAAACACAAAAATGATTCAAACCATATCCTGAAGTCAAACATTTAGCTTT-3'
Protein context (NP_000526.2, residues 717-737): VLQGQRLIAP[Gln727His]TLNLTAVNEA

ClinVar aggregate classification (germline): Uncertain significance (1 of 4 stars; one submission).

Conditions:
Hereditary nonpolyposis colorectal neoplasms. Identifiers: MedGen C0009405, MeSH D003123.

Allele frequency attached by ClinVar (database versions not stated): TOPMed below 0.00001.

Submission:

Labcorp Genetics (formerly Invitae), Labcorp
Classification: Uncertain significance for Hereditary nonpolyposis colorectal neoplasms. Last evaluated: 2023-12-20. Review status: criteria provided, single submitter. Criteria: Invitae Variant Classification Sherloc (09022015). Collection method: clinical testing. Allele origin: germline.
Comment: This sequence change replaces glutamine, which is neutral and polar, with histidine, which is basic and polar, at codon 727 of the PMS2 protein (p.Gln727His). The frequency data for this variant in the population databases (gnomAD) is considered unreliable due to the presence of homologous sequence, such as pseudogenes or paralogs, in the genome. This variant has not been reported in the literature in individuals affected with PMS2-related conditions. ClinVar contains an entry for this variant (Variation ID: 2151712). Advanced modeling of protein sequence and biophysical properties (such as structural, functional, and spatial information, amino acid conservation, physicochemical variation, residue mobility, and thermodynamic stability) performed at Invitae indicates that this missense variant is expected to disrupt PMS2 protein function with a positive predictive value of 80%. In summary, the available evidence is currently insufficient to determine the role of this variant in disease. Therefore, it has been classified as a Variant of Uncertain Significance.